The following is an entry in ClinVar:

NM_000823.4(GHRHR):c.1105-3C>A

Gene: GHRHR (growth hormone releasing hormone receptor; plus strand). Cytogenetic location: 7p14.3.
Variant type: single nucleotide variant.
Coding change: c.1105-3C>A on transcript NM_000823.4 (MANE Select); 3 bases into the intron before coding-DNA position 1105, C replaced by A.
Molecular consequence: intron variant.
Genome position (GRCh38, 1-based): chr7:30,977,278, C>A. VCF-style: chr7-30977278-C-A. GRCh37 (hg19) VCF-style: chr7-31016893-C-A.
Identifiers: ClinVar variation 1350916 (VCV001350916.5), dbSNP rs758144992, ClinGen allele CA4208802.

ClinVar aggregate classification (germline): Uncertain significance (1 of 4 stars; one submission).

Allele frequency attached by ClinVar (database versions not stated): ExAC 0.00001; gnomAD exomes 0.00001; gnomAD 0.00006; TOPMed 0.00006.
gnomAD v4.1: 12 of 1,613,886 alleles (0.00074%); highest among the groups gnomAD compares: African/African-American, 0.016%; no homozygotes.

Submission:

Labcorp Genetics (formerly Invitae), Labcorp
Classification: Uncertain significance. Last evaluated: 2021-04-17. Review status: criteria provided, single submitter. Criteria: Invitae Variant Classification Sherloc (09022015). Collection method: clinical testing. Allele origin: germline.
Comment: Nucleotide substitutions within the consensus splice site are a relatively common cause of aberrant splicing (PMID: 17576681, 9536098). Algorithms developed to predict the effect of sequence changes on RNA splicing suggest that this variant may disrupt the consensus splice site, but this prediction has not been confirmed by published transcriptional studies. In summary, the available evidence is currently insufficient to determine the role of this variant in disease. Therefore, it has been classified as a Variant of Uncertain Significance. This variant has not been reported in the literature in individuals with GHRHR-related conditions. This sequence change falls in intron 11 of the GHRHR gene. It does not directly change the encoded amino acid sequence of the GHRHR protein. It affects a nucleotide within the consensus splice site of the intron. This variant is present in population databases (rs758144992, ExAC 0.01%).

Literature cited by the submitters: PubMed 17576681; PubMed 9536098.